The following is an entry in ClinVar:

NM_017636.4(TRPM4):c.2294G>A (p.Gly765Glu)

Gene: TRPM4 (transient receptor potential cation channel subfamily M member 4; plus strand). Cytogenetic location: 19q13.33.
Variant type: single nucleotide variant.
Coding change: c.2294G>A on transcript NM_017636.4 (MANE Select); coding-DNA position 2294, G replaced by A.
Protein change: p.Gly765Glu; replaces glycine 765 with glutamic acid.
Molecular consequence: missense variant. On other transcripts: intron variant (1).
Genome position (GRCh38, 1-based): chr19:49,196,523, G>A. VCF-style: chr19-49196523-G-A. GRCh37 (hg19) VCF-style: chr19-49699780-G-A.
Other names: c.1949G>A, p.Gly650Glu (NM_001321281.2); c.686G>A, p.Gly229Glu (NM_001321282.2); c.1772G>A, p.Gly591Glu (NM_001321283.2); c.1232G>A, p.Gly411Glu (NM_001321285.2); c.2211-3777G>A (NM_001195227.2); short protein forms G229E, G591E, G765E, G411E, G650E.
Identifiers: ClinVar variation 1427696 (VCV001427696.6), dbSNP rs1246797940, ClinGen allele CA406808737.

ClinVar aggregate classification (germline): Uncertain significance (1 of 4 stars; one submission).

Conditions:
Progressive familial heart block type IB (PFHB1B). Identifiers: Orphanet 871, MedGen C1970298, MONDO:0011474, OMIM 604559.

Allele frequency attached by ClinVar (database versions not stated): gnomAD exomes below 0.00001 and 0.00001; TOPMed below 0.00001.
gnomAD v4.1: 2 of 1,553,960 alleles (0.00013%); highest among the groups gnomAD compares: Non-Finnish European, 0.00017%; no homozygotes.

Submission:

Labcorp Genetics (formerly Invitae), Labcorp
Classification: Uncertain significance for Progressive familial heart block type IB. Last evaluated: 2023-05-09. Review status: criteria provided, single submitter. Criteria: Invitae Variant Classification Sherloc (09022015). Collection method: clinical testing. Allele origin: germline.
Comment: This sequence change replaces glycine, which is neutral and non-polar, with glutamic acid, which is acidic and polar, at codon 765 of the TRPM4 protein (p.Gly765Glu). The frequency data for this variant in the population databases is considered unreliable, as metrics indicate poor data quality at this position in the gnomAD database. This variant has not been reported in the literature in individuals affected with TRPM4-related conditions. ClinVar contains an entry for this variant (Variation ID: 1427696). An algorithm developed to predict the effect of missense changes on protein structure and function (PolyPhen-2) suggests that this variant is likely to be tolerated. In summary, the available evidence is currently insufficient to determine the role of this variant in disease. Therefore, it has been classified as a Variant of Uncertain Significance.